The following is an entry in ClinVar:

NM_004646.4(NPHS1):c.1018_1019del (p.Pro339_Pro340insTer)

Gene: NPHS1 (NPHS1 adhesion molecule, nephrin; minus strand). Cytogenetic location: 19q13.12.
Variant type: Deletion.
Coding change: c.1018_1019del on transcript NM_004646.4 (MANE Select); coding-DNA positions 1018 to 1019, 2 bases deleted (CC; older notation c.1018_1019delCC).
Protein change: p.Pro339_Pro340insTer.
Molecular consequence: nonsense.
Genome position (GRCh38, 1-based): chr19:35,848,788-35,848,789, GG deleted on the plus strand (CC on the coding strand, the reverse complement: NPHS1 is on the minus strand); deleting any 2 consecutive bases within chr19:35,848,788-35,848,792 gives the same sequence; the c. name uses the placement nearest the transcript's 3' end. VCF-style (leftmost placement, unchanged base first): chr19-35848787-AGG-A. GRCh37 (hg19) VCF-style: chr19-36339689-AGG-A.
Identifiers: ClinVar variation 2094467 (VCV002094467.4), dbSNP rs2513778066, ClinGen allele CA2580096882.

ClinVar aggregate classification (germline): Pathogenic (1 of 4 stars; one submission).

Submission:

Labcorp Genetics (formerly Invitae), Labcorp
Classification: Pathogenic. Last evaluated: 2022-02-07. Review status: criteria provided, single submitter. Criteria: Invitae Variant Classification Sherloc (09022015). Collection method: clinical testing. Allele origin: germline.
Comment: For these reasons, this variant has been classified as Pathogenic. This variant has not been reported in the literature in individuals affected with NPHS1-related conditions. This variant is not present in population databases (gnomAD no frequency). This sequence change creates a premature translational stop signal (p.Pro340*) in the NPHS1 gene. It is expected to result in an absent or disrupted protein product. Loss-of-function variants in NPHS1 are known to be pathogenic (PMID: 11317351, 11854170, 12039988).

Literature cited by the submitters: PubMed 11317351; PubMed 11854170; PubMed 12039988.